The following is an entry in ClinVar:

NM_001040716.2(PC):c.259G>C (p.Gly87Arg)

Gene: PC (pyruvate carboxylase; minus strand). Cytogenetic location: 11q13.2.
Variant type: single nucleotide variant.
Coding change: c.259G>C on transcript NM_001040716.2 (MANE Select); coding-DNA position 259, G replaced by C.
Protein change: p.Gly87Arg; replaces glycine 87 with arginine.
Molecular consequence: missense variant.
Genome position (GRCh38, 1-based): chr11:66,871,749, C>G on the plus strand (G>C on the coding strand, the complement: PC is on the minus strand). VCF-style: chr11-66871749-C-G. GRCh37 (hg19) VCF-style: chr11-66639220-C-G.
Other names: c.259G>C, p.Gly87Arg (NM_000920.4, NM_022172.3); short protein forms G87R.
Identifiers: ClinVar variation 1485557 (VCV001485557.6), dbSNP rs770055702, ClinGen allele CA381502831.

ClinVar aggregate classification (germline): Uncertain significance (1 of 4 stars; one submission).

Conditions:
Pyruvate carboxylase deficiency. Also called: ATAXIA WITH LACTIC ACIDOSIS II; Pyruvate Carboxylase Deficiency Disease; LEIGH NECROTIZING ENCEPHALOPATHY DUE TO PYRUVATE CARBOXYLASE DEFICIENCY; PC DEFICIENCY; LEIGH SYNDROME DUE TO PYRUVATE CARBOXYLASE DEFICIENCY. Identifiers: Orphanet 3008, MedGen C0034341, MONDO:0009949, OMIM 266150.

Submission:

Labcorp Genetics (formerly Invitae), Labcorp
Classification: Uncertain significance for Pyruvate carboxylase deficiency. Last evaluated: 2021-08-23. Review status: criteria provided, single submitter. Criteria: Invitae Variant Classification Sherloc (09022015). Collection method: clinical testing. Allele origin: germline.
Comment: This sequence change replaces glycine with arginine at codon 87 of the PC protein (p.Gly87Arg). The glycine residue is highly conserved and there is a moderate physicochemical difference between glycine and arginine. This variant is not present in population databases (ExAC no frequency). This variant has not been reported in the literature in individuals affected with PC-related conditions. Algorithms developed to predict the effect of missense changes on protein structure and function are either unavailable or do not agree on the potential impact of this missense change (SIFT: "Deleterious"; PolyPhen-2: "Probably Damaging"; Align-GVGD: "Class C15"). In summary, the available evidence is currently insufficient to determine the role of this variant in disease. Therefore, it has been classified as a Variant of Uncertain Significance.